The following is an entry in ClinVar:

ClinVar aggregate classification (germline): Uncertain significance (1 of 4 stars; one submission).

Submission:

Labcorp Genetics (formerly Invitae), Labcorp
Classification: Uncertain significance. Last evaluated: 2021-11-05. Review status: criteria provided, single submitter. Criteria: Invitae Variant Classification Sherloc (09022015). Collection method: clinical testing. Allele origin: germline.
Comment: This variant has not been reported in the literature in individuals affected with GALNT3-related conditions. This variant is not present in population databases (gnomAD no frequency). This sequence change replaces aspartic acid, which is acidic and polar, with glycine, which is neutral and non-polar, at codon 91 of the GALNT3 protein (p.Asp91Gly). Algorithms developed to predict the effect of missense changes on protein structure and function (SIFT, PolyPhen-2, Align-GVGD) all suggest that this variant is likely to be tolerated. In summary, the available evidence is currently insufficient to determine the role of this variant in disease. Therefore, it has been classified as a Variant of Uncertain Significance.

NM_004482.4(GALNT3):c.272A>G (p.Asp91Gly)

Gene: GALNT3 (polypeptide N-acetylgalactosaminyltransferase 3; minus strand). Cytogenetic location: 2q24.3.
Variant type: single nucleotide variant.
Coding change: c.272A>G on transcript NM_004482.4 (MANE Select); coding-DNA position 272, A replaced by G.
Protein change: p.Asp91Gly; replaces aspartic acid 91 with glycine.
Molecular consequence: missense variant.
Genome position (GRCh38, 1-based): chr2:165,770,429, T>C on the plus strand (A>G on the coding strand, the complement: GALNT3 is on the minus strand). VCF-style: chr2-165770429-T-C. GRCh37 (hg19) VCF-style: chr2-166626939-T-C.
Other names: short protein forms D91G.
Identifiers: ClinVar variation 1391479 (VCV001391479.6), dbSNP rs2105419903, ClinGen allele CA349043971.
Genomic context (GRCh38, chr2:165,770,429, plus strand): 5'-AGGACAGGCTTCAATTCTGCTGCTGTATAATATCCTTGCAAACAAGGTCTCTCACCAGCA[T>C]CAATGTTTTGCCTGACAGGTGCTCCTATTTGCATTTTTGGCATGGCATCCTTAATATTGT-3'
Protein context (NP_004473.2, residues 81-101): QIGAPVRQNI[Asp91Gly]AGERPCLQGY